The following is an entry in ClinVar:

ClinVar aggregate classification (germline): Uncertain significance. Review status: criteria provided, multiple submitters, no conflicts (2 of 4 stars). 5 submissions from 5 submitters: Uncertain significance (5). Last evaluated 2025-09-22.

Conditions:
Hereditary cancer-predisposing syndrome. Also called: Hereditary Cancer Syndrome; Tumor predisposition; Neoplastic Syndromes, Hereditary; Hereditary neoplastic syndrome. Identifiers: Orphanet 140162, MedGen C0027672, MeSH D009386, MONDO:0015356.
Hereditary diffuse gastric adenocarcinoma (HDGC). Also called: DIFFUSE GASTRIC AND LOBULAR BREAST CANCER SYNDROME. Identifiers: Orphanet 26106, MedGen C1708349, MONDO:0007648, OMIM 137215.
Familial cancer of breast. Also called: hereditary breast carcinoma; BREAST CANCER, FAMILIAL; Hereditary breast cancer. Identifiers: Orphanet 227535, MedGen C0346153, MONDO:0016419, OMIM 114480. Disease mechanism: loss of function.

Allele frequency attached by ClinVar (database versions not stated): gnomAD exomes 0.00001.
gnomAD v4.1: 6 of 1,614,182 alleles (0.00037%); highest among the groups gnomAD compares: East Asian, 0.013%; no homozygotes.

Submissions (5):

Ambry Genetics
Classification: Uncertain significance for Hereditary cancer-predisposing syndrome. Last evaluated: 2025-09-22. Review status: criteria provided, single submitter. Criteria: Ambry Variant Classification Scheme 2023. Collection method: clinical testing. Allele origin: germline.
Comment: The p.I505T variant (also known as c.1514T>C), located in coding exon 10 of the CDH1 gene, results from a T to C substitution at nucleotide position 1514. The isoleucine at codon 505 is replaced by threonine, an amino acid with similar properties. This alteration has been reported with a carrier frequency of 0.00142 in 7051 unselected breast cancer patients and 0.00053 in 11241 female controls of Japanese ancestry (Momozawa Y et al. Nat. Commun, 2018 10;9:4083). This amino acid position is not well conserved in available vertebrate species. In addition, the in silico prediction for this alteration is inconclusive. Since supporting evidence is limited at this time, the clinical significance of this alteration remains unclear.

Baylor Genetics
Classification: Uncertain significance for Familial cancer of breast. Last evaluated: 2024-02-23. Review status: criteria provided, single submitter. Criteria: ACMG Guidelines, 2015. Collection method: clinical testing. Allele origin: unknown.

Labcorp Genetics (formerly Invitae), Labcorp
Classification: Uncertain significance for Hereditary diffuse gastric adenocarcinoma. Last evaluated: 2023-07-17. Review status: criteria provided, single submitter. Criteria: Invitae Variant Classification Sherloc (09022015). Collection method: clinical testing. Allele origin: germline.
Comment: In summary, the available evidence is currently insufficient to determine the role of this variant in disease. Therefore, it has been classified as a Variant of Uncertain Significance. An algorithm developed to predict the effect of missense changes on protein structure and function (PolyPhen-2) suggests that this variant is likely to be disruptive. ClinVar contains an entry for this variant (Variation ID: 649774). This missense change has been observed in individual(s) with breast cancer (PMID: 30287823). This variant is not present in population databases (gnomAD no frequency). This sequence change replaces isoleucine, which is neutral and non-polar, with threonine, which is neutral and polar, at codon 505 of the CDH1 protein (p.Ile505Thr).

Color Diagnostics, LLC DBA Color Health
Classification: Uncertain significance for Hereditary cancer-predisposing syndrome. Last evaluated: 2019-11-11. Review status: criteria provided, single submitter. Criteria: ACMG Guidelines, 2015. Collection method: clinical testing. Allele origin: germline.
Comment: This missense variant replaces isoleucine with threonine at codon 505 of the CDH1 protein. Computational prediction suggests that this variant may not impact protein structure and function (internally defined REVEL score threshold <= 0.5, PMID: 27666373). Splice site prediction tools suggest that this variant may not impact RNA splicing. To our knowledge, functional studies have not been performed for this variant. This variant has not been reported in individuals affected with hereditary cancer in the literature. This variant has not been identified in the general population by the Genome Aggregation Database (gnomAD). The available evidence is insufficient to determine the role of this variant in disease conclusively. Therefore, this variant is classified as a Variant of Uncertain Significance.

Women's Health and Genetics/Laboratory Corporation of America, LabCorp
Classification: Uncertain significance. Last evaluated: 2019-08-16. Review status: criteria provided, single submitter. Criteria: LabCorp Variant Classification Summary - May 2015. Collection method: clinical testing. Allele origin: germline.
Comment: Variant summary: CDH1 c.1514T>C (p.Ile505Thr) results in a non-conservative amino acid change located in the Cadherin-like domain (IPR002126) of the encoded protein sequence. Four of five in-silico tools predict a damaging effect of the variant on protein function. The variant was absent in 251472 control chromosomes. The available data on variant occurrences in the general population are insufficient to allow any conclusion about variant significance. To our knowledge, no occurrence of c.1514T>C in individuals affected with Hereditary Diffuse Gastric Cancer and no experimental evidence demonstrating its impact on protein function have been reported. No clinical diagnostic laboratories have submitted clinical-significance assessments for this variant to ClinVar after 2014. Based on the evidence outlined above, the variant was classified as uncertain significance.

Literature cited by the submitters: PubMed 30287823 (cited by Ambry Genetics and Labcorp Genetics (formerly Invitae), Labcorp).

NM_004360.5(CDH1):c.1514T>C (p.Ile505Thr)

Gene: CDH1 (cadherin 1; plus strand). Cytogenetic location: 16q22.1.
Variant type: single nucleotide variant.
Coding change: c.1514T>C on transcript NM_004360.5 (MANE Select); coding-DNA position 1514, T replaced by C.
Protein change: p.Ile505Thr; replaces isoleucine 505 with threonine.
Molecular consequence: missense variant. On other transcripts: 5 prime UTR variant (2).
Genome position (GRCh38, 1-based): chr16:68,815,708, T>C. VCF-style: chr16-68815708-T-C. GRCh37 (hg19) VCF-style: chr16-68849611-T-C.
Other names: c.1514T>C (LRG_301t1); c.1331T>C, p.Ile444Thr (NM_001317184.2); c.-35T>C (NM_001317185.2); c.-306T>C (NM_001317186.2); short protein forms I444T, I505T.
Identifiers: ClinVar variation 649774 (VCV000649774.20), dbSNP rs1597898186, ClinGen allele CA396463343.
Genomic context (GRCh38, chr16:68,815,708, plus strand): 5'-TCTTTGTGCCTCCTGAAAAGAGAGTGGAAGTGTCCGAGGACTTTGGCGTGGGCCAGGAAA[T>C]CACATCCTACACTGCCCAGGAGCCAGACACATTTATGGAACAGAAAATAACGTAAGTGTG-3'
Protein context (NP_004351.1, residues 495-515): VSEDFGVGQE[Ile505Thr]TSYTAQEPDT